The following is an entry in ClinVar:

ClinVar aggregate classification (germline): Pathogenic. Review status: reviewed by expert panel (3 of 4 stars). 9 submissions from 9 submitters: Pathogenic (1). 8 of the submissions do not count toward it. Last evaluated 2016-09-08.

Conditions:
BRCA2-related disorder. Also called: BRCA2-related condition; BRCA2-related disorders. Identifiers: MedGen CN239275.
Hereditary cancer-predisposing syndrome. Also called: Tumor predisposition; Hereditary Cancer Syndrome; Neoplastic Syndromes, Hereditary; Hereditary neoplastic syndrome. Identifiers: Orphanet 140162, MedGen C0027672, MeSH D009386, MONDO:0015356.
Hereditary breast ovarian cancer syndrome. Also called: Hereditary breast and ovarian cancer; Breast and ovarian cancer; Hereditary breast and/or ovarian cancer syndrome; BRCA1- and BRCA2-Associated Hereditary Breast and Ovarian Cancer; Hereditary breast and ovarian cancer syndrome; Hereditary breast and ovarian cancer syndrome (HBOC). Identifiers: Orphanet 145, MedGen C0677776, MeSH D061325, MONDO:0003582. Disease mechanism: loss of function.
Breast-ovarian cancer, familial, susceptibility to, 2 (BROVCA2). Also called: BRCA2 Hereditary Breast and Ovarian Cancer. Identifiers: Orphanet 145, MedGen C2675520, MONDO:0012933, OMIM 612555. Disease mechanism: loss of function.

Submissions (9):

Evidence-based Network for the Interpretation of Germline Mutant Alleles (ENIGMA)
Classification: Pathogenic for Breast-ovarian cancer, familial, susceptibility to, 2. Last evaluated: 2016-09-08. Review status: reviewed by expert panel. Criteria: ENIGMA BRCA1/2 Classification Criteria (2015). Collection method: curation. Allele origin: germline.
Comment: Variant allele predicted to encode a truncated non-functional protein.

Labcorp Genetics (formerly Invitae), Labcorp
Classification: Pathogenic for Hereditary breast ovarian cancer syndrome. Last evaluated: 2025-12-08. Review status: criteria provided, single submitter. Criteria: Invitae Variant Classification Sherloc (09022015). Collection method: clinical testing. Allele origin: germline. Not counted in ClinVar's aggregate classification.
Comment: This sequence change creates a premature translational stop signal (p.Lys2131Asnfs*6) in the BRCA2 gene. It is expected to result in an absent or disrupted protein product. Loss-of-function variants in BRCA2 are known to be pathogenic (PMID: 20104584). This variant is not present in population databases (gnomAD no frequency). This premature translational stop signal has been observed in individual(s) with increased risk of breast and/or ovarian cancer (PMID: 29446198). ClinVar contains an entry for this variant (Variation ID: 254580). For these reasons, this variant has been classified as Pathogenic.

Color Diagnostics, LLC DBA Color Health
Classification: Pathogenic for Hereditary cancer-predisposing syndrome. Last evaluated: 2025-06-23. Review status: criteria provided, single submitter. Criteria: ACMG Guidelines, 2015. Collection method: clinical testing. Allele origin: germline. Not counted in ClinVar's aggregate classification.
Comment: This variant deletes 1 nucleotide in exon 11 of the BRCA2 gene, creating a frameshift and premature translation stop signal. This variant is expected to result in an absent or non-functional protein product. To our knowledge, this variant has not been reported in individuals affected with hereditary cancer in the literature. This variant has not been identified in the general population by the Genome Aggregation Database (gnomAD). Loss of BRCA2 function is a known mechanism of disease. Based on the available evidence, this variant is classified as Pathogenic.

Ambry Genetics
Classification: Pathogenic for Hereditary cancer-predisposing syndrome. Last evaluated: 2025-04-21. Review status: criteria provided, single submitter. Criteria: Ambry Variant Classification Scheme 2023. Collection method: clinical testing. Allele origin: germline. Not counted in ClinVar's aggregate classification.
Comment: The c.6393delA pathogenic mutation, located in coding exon 10 of the BRCA2 gene, results from a deletion of one nucleotide at nucleotide position 6393, causing a translational frameshift with a predicted alternate stop codon (p.K2131Nfs*6). This alteration was identified in a large, worldwide study of BRCA1/2 mutation positive families (Rebbeck TR et al. Hum. Mutat. 2018 05;39:593-620). This alteration is expected to result in loss of function by premature protein truncation or nonsense-mediated mRNA decay. As such, this alteration is interpreted as a disease-causing mutation.

Quest Diagnostics Nichols Institute San Juan Capistrano
Classification: Pathogenic. Last evaluated: 2020-11-11. Review status: criteria provided, single submitter. Criteria: Quest Diagnostics criteria. Collection method: clinical testing. Allele origin: unknown. Not counted in ClinVar's aggregate classification.
Comment: This frameshift variant is predicted to cause the premature termination of BRCA2 protein synthesis. It has been reported in at least one family with increased risk of breast and/or ovarian cancer in the published literature (PMID: 29446198 (2018)). This variant has not been reported in large, multi-ethnic general populations. Therefore, this variant is classified as pathogenic.

Women's Health and Genetics/Laboratory Corporation of America, LabCorp
Classification: Likely pathogenic for Hereditary breast and ovarian cancer syndrome. Last evaluated: 2017-09-04. Review status: criteria provided, single submitter. Criteria: LabCorp Variant Classification Summary - May 2015. Collection method: clinical testing. Allele origin: germline. Not counted in ClinVar's aggregate classification.
Comment: Variant summary: The BRCA2 c.6393delA (p.Lys2131AsnfsX6) variant results in a premature termination codon, predicted to cause a truncated or absent BRCA2 protein due to nonsense mediated decay, which are commonly known mechanisms for disease. Truncations downstream of this position have been classified as pathogenic by our laboratory (e.g. p.Tyr3098X, p.Arg3128X, p.Tyr3308X, etc.). This variant is absent in 118276 control chromosomes from ExAC. In addition, multiple clinical diagnostic laboratories/reputable databases in ClinVar have classified this variant as pathogenic. To our knowledge, the variant has not been reported in affected individuals in literature, nor has it been evaluated for functional impact by in vivo/vitro studies. Taken together, this variant is classified as likely pathogenic.

Consortium of Investigators of Modifiers of BRCA1/2 (CIMBA), c/o University of Cambridge
Classification: Pathogenic for Breast-ovarian cancer, familial, susceptibility to, 2. Last evaluated: 2015-10-02. Review status: criteria provided, single submitter. Criteria: CIMBA Mutation Classification guidelines May 2016. Collection method: clinical testing. Allele origin: germline. Not counted in ClinVar's aggregate classification.

PreventionGenetics, part of Exact Sciences
Classification: Likely pathogenic for BRCA2-related condition. Last evaluated: 2024-04-26. Review status: no assertion criteria provided. Collection method: clinical testing. Allele origin: germline. Not counted in ClinVar's aggregate classification.
Comment: The BRCA2 c.6393delA variant is predicted to result in a frameshift and premature protein termination (p.Lys2131Asnfs*6). This variant has been reported in an individual with increased risk of breast and/or ovarian cancer (Rebbeck et al. 2018. PMID: 29446198, Supplementary Table 1). This variant has not been reported in a large population database, indicating this variant is rare. This variant has interpretations ranging from likely pathogenic to pathogenic in ClinVar. Nonsense variants in BRCA2 are expected to be pathogenic. This variant is interpreted as likely pathogenic.

Research Molecular Genetics Laboratory, Women's College Hospital, University of Toronto
Classification: Pathogenic for Hereditary breast ovarian cancer syndrome. Last evaluated: 2014-01-31. Review status: no assertion criteria provided. Collection method: research. Allele origin: germline. Affected: yes. Study: The Canadian Open Genetics Repository (COGR). Not counted in ClinVar's aggregate classification.

Literature cited by the submitters: PubMed 20104584 (cited by Labcorp Genetics (formerly Invitae), Labcorp); PubMed 29446198 (cited by 3 submitters); PubMed 28127413 (cited by Quest Diagnostics Nichols Institute San Juan Capistrano).

NM_000059.4(BRCA2):c.6393del (p.Lys2131fs)

Gene: BRCA2 (BRCA2 DNA repair associated; plus strand). Cytogenetic location: 13q13.1.
Variant type: Deletion.
Coding change: c.6393del on transcript NM_000059.4 (MANE Select); coding-DNA position 6393, one base deleted (A; older notation c.6393delA).
Protein change: p.Lys2131fs; shifts the reading frame from lysine 2131.
Molecular consequence: frameshift variant.
Genome position (GRCh38, 1-based): chr13:32,340,748, A deleted; the last of 3 consecutive A bases (chr13:32,340,746-32,340,748); deleting any one gives the same sequence. VCF-style (leftmost placement, unchanged base first): chr13-32340745-TA-T. GRCh37 (hg19) VCF-style: chr13-32914882-TA-T.
Other names: c.6393delA (NM_000059.3).
Identifiers: ClinVar variation 254580 (VCV000254580.19), dbSNP rs886038145, ClinGen allele CA10586556.